The following is an entry in ClinVar:

NM_004168.4(SDHA):c.1181A>C (p.Asp394Ala)

Gene: SDHA (succinate dehydrogenase complex flavoprotein subunit A; plus strand). Cytogenetic location: 5p15.33.
Variant type: single nucleotide variant.
Coding change: c.1181A>C on transcript NM_004168.4 (MANE Select); coding-DNA position 1181, A replaced by C.
Protein change: p.Asp394Ala; replaces aspartic acid 394 with alanine.
Molecular consequence: missense variant.
Genome position (GRCh38, 1-based): chr5:235,260, A>C. VCF-style: chr5-235260-A-C. GRCh37 (hg19) VCF-style: chr5-235375-A-C.
Other names: c.1037A>C, p.Asp346Ala (NM_001294332.2); c.1181A>C, p.Asp394Ala (NM_001330758.2); short protein forms D346A, D394A.
Identifiers: ClinVar variation 3223711 (VCV003223711.2), dbSNP rs2477364069, ClinGen allele CA359013616.

ClinVar aggregate classification (germline): Uncertain significance (1 of 4 stars; one submission).

Conditions:
Hereditary cancer-predisposing syndrome. Also called: Tumor predisposition; Hereditary Cancer Syndrome; Hereditary neoplastic syndrome; Neoplastic Syndromes, Hereditary. Identifiers: Orphanet 140162, MedGen C0027672, MeSH D009386, MONDO:0015356.

Submission:

Ambry Genetics
Classification: Uncertain significance for Hereditary cancer-predisposing syndrome. Last evaluated: 2026-01-29. Review status: criteria provided, single submitter. Criteria: Ambry Variant Classification Scheme 2023. Collection method: clinical testing. Allele origin: germline.
Comment: The p.D394A variant (also known as c.1181A>C), located in coding exon 9 of the SDHA gene, results from an A to C substitution at nucleotide position 1181. The aspartic acid at codon 394 is replaced by alanine, an amino acid with dissimilar properties. This amino acid position is highly conserved in available vertebrate species. In addition, this alteration is predicted to be deleterious by in silico analysis. Based on the available evidence, the clinical significance of this variant remains unclear.